The following is an entry in ClinVar:

ClinVar aggregate classification (germline): Uncertain significance (1 of 4 stars; one submission).

Conditions:
Primary dilated cardiomyopathy (DCM). Also called: Dilated Cardiomyopathy. Identifiers: Orphanet 217604, MedGen C0007193, MeSH D002311, MONDO:0005021, HP:0001644. Inheritance: Various modes of inheritance.

Allele frequency attached by ClinVar (database versions not stated): gnomAD exomes below 0.00001; gnomAD 0.00001.
gnomAD v4.1: 7 of 1,602,960 alleles (0.00044%); highest among the groups gnomAD compares: African/African-American, 0.0054%; no homozygotes.

Submission:

Labcorp Genetics (formerly Invitae), Labcorp
Classification: Uncertain significance for Primary dilated cardiomyopathy. Last evaluated: 2022-01-10. Review status: criteria provided, single submitter. Criteria: Invitae Variant Classification Sherloc (09022015). Collection method: clinical testing. Allele origin: germline.
Comment: In summary, the available evidence is currently insufficient to determine the role of this variant in disease. Therefore, it has been classified as a Variant of Uncertain Significance. This variant has not been reported in the literature in individuals affected with NEBL-related conditions. ClinVar contains an entry for this variant (Variation ID: 582826). Variants that disrupt the consensus splice site are a relatively common cause of aberrant splicing (PMID: 17576681, 9536098). Algorithms developed to predict the effect of sequence changes on RNA splicing suggest that this variant is not likely to affect RNA splicing. This sequence change falls in intron 16 of the NEBL gene. It does not directly change the encoded amino acid sequence of the NEBL protein. It affects a nucleotide within the consensus splice site. This variant is not present in population databases (gnomAD no frequency).

Literature cited by the submitters: PubMed 17576681; PubMed 9536098.

NM_006393.3(NEBL):c.1671+4G>A

Gene: NEBL (nebulette; minus strand). Cytogenetic location: 10p12.31.
Variant type: single nucleotide variant.
Coding change: c.1671+4G>A on transcript NM_006393.3 (MANE Select); 4 bases into the intron after coding-DNA position 1671, G replaced by A.
Molecular consequence: intron variant.
Genome position (GRCh38, 1-based): chr10:20,831,192, C>T on the plus strand (G>A on the coding strand, the complement: NEBL is on the minus strand). VCF-style: chr10-20831192-C-T. GRCh37 (hg19) VCF-style: chr10-21120121-C-T.
Other names: c.250-18252G>A (NM_001377326.1, NM_001377327.1, NM_001377328.1); c.358-18252G>A (NM_213569.2, NM_001173484.2, NM_001377322.1); c.301-18252G>A (NM_001377324.1); c.292-18252G>A (NM_001377325.1); c.310-18252G>A (NM_001377323.1).
Identifiers: ClinVar variation 582826 (VCV000582826.11), dbSNP rs528164655, ClinGen allele CA204164038.